The following is an entry in ClinVar:

NM_198253.3(TERT):c.2648T>G (p.Phe883Cys)

Gene: TERT (telomerase reverse transcriptase; minus strand). Cytogenetic location: 5p15.33.
Variant type: single nucleotide variant.
Coding change: c.2648T>G on transcript NM_198253.3 (MANE Select); coding-DNA position 2648, T replaced by G.
Protein change: p.Phe883Cys; replaces phenylalanine 883 with cysteine.
Molecular consequence: missense variant. On other transcripts: non-coding transcript variant (2).
Genome position (GRCh38, 1-based): chr5:1,266,470, A>C on the plus strand (T>G on the coding strand, the complement: TERT is on the minus strand). VCF-style: chr5-1266470-A-C. GRCh37 (hg19) VCF-style: chr5-1266585-A-C.
Other names: c.2648T>G, p.Phe883Cys (NM_001193376.3, NM_003219.1); short protein forms F883C.
Identifiers: ClinVar variation 1794276 (VCV001794276.3), dbSNP rs2478165471, ClinGen allele CA359073108.

ClinVar aggregate classification (germline): Likely pathogenic (1 of 4 stars; one submission).

Conditions:
Dyskeratosis congenita. Identifiers: Orphanet 1775, MedGen C0265965, MONDO:0015780.

Submission:

Ambry Genetics
Classification: Likely pathogenic for Dyskeratosis congenita. Last evaluated: 2025-09-24. Review status: criteria provided, single submitter. Criteria: Ambry Variant Classification Scheme 2023. Collection method: clinical testing. Allele origin: germline.
Comment: The p.F883C variant (also known as c.2648T>G), located in coding exon 10 of the TERT gene, results from a T to G substitution at nucleotide position 2648. The phenylalanine at codon 883 is replaced by cysteine, an amino acid with highly dissimilar properties. This variant segregated with disease in at least one family with features consistent with pulmonary fibrosis (Fernandez BA et al. Respir. Res., 2012 Aug;13:64). This amino acid position is highly conserved in available vertebrate species. In addition, this alteration is predicted to be deleterious by in silico analysis. This variant is considered to be rare based on population cohorts in the Genome Aggregation Database (gnomAD). Based on the majority of available evidence to date, this variant is likely to be pathogenic.

Literature cited by the submitters: PubMed 22853774; PubMed 25192356.